The following is an entry in ClinVar:

NM_001301071.2(DOK7):c.1620C>T (p.Pro540=)

Gene: DOK7 (docking protein 7; plus strand). Cytogenetic location: 4p16.3.
Variant type: single nucleotide variant.
Coding change: c.1620C>T on transcript NM_001301071.2; coding-DNA position 1620, C replaced by T.
Protein change: p.Pro540=; no amino-acid change (proline 540 retained).
Molecular consequence: synonymous variant.
Genome position (GRCh38, 1-based): chr4:3,500,330, C>T. VCF-style: chr4-3500330-C-T. GRCh37 (hg19) VCF-style: chr4-3502057-C-T.
Other names: c.1188C>T, p.Pro396= (NM_001363811.2).
Identifiers: ClinVar variation 1202882 (VCV001202882.28), dbSNP rs143778632, ClinGen allele CA2829628.

ClinVar aggregate classification (germline): Benign/Likely benign. Review status: criteria provided, multiple submitters, no conflicts (2 of 4 stars). 3 submissions from 3 submitters: Benign (1); Likely benign (2). Last evaluated 2024-07-01.

Allele frequency attached by ClinVar (database versions not stated): ExAC 0.00470; TOPMed 0.00869; gnomAD 0.00945 and 0.00976; 1000 Genomes Project 30x 0.00437; gnomAD exomes 0.00917; 1000 Genomes Project 0.00519.
gnomAD v4.1: 20,869 of 1,535,922 alleles (1.4%); highest among the groups gnomAD compares: Non-Finnish European, 1.6%; 189 homozygotes.

Submissions (3):

CeGaT Center for Human Genetics Tuebingen
Classification: Benign. Last evaluated: 2024-07-01. Review status: criteria provided, single submitter. Criteria: CeGaT Center For Human Genetics Tuebingen Variant Classification Criteria Version 2. Collection method: clinical testing. Allele origin: germline. Affected: yes. Observed: 2 variant alleles.
Comment: DOK7: BP4, BP7, BS1, BS2

GeneDx
Classification: Likely benign. Last evaluated: 2018-07-17. Review status: criteria provided, single submitter. Criteria: GeneDx Variant Classification Process June 2021. Collection method: clinical testing. Allele origin: germline. Affected: yes.

Breakthrough Genomics
Classification: Likely benign. Review status: criteria provided, single submitter. Criteria: ACMG Guidelines, 2015. Collection method: not provided. Allele origin: germline. Inheritance: Autosomal recessive inheritance. Affected: yes.